The following is an entry in ClinVar:

ClinVar aggregate classification (germline): Conflicting classifications of pathogenicity. Review status: criteria provided, conflicting classifications (1 of 4 stars). 2 submissions from 2 submitters: Uncertain significance (1); Likely benign (1). Last evaluated 2025-11-18.

Conditions:
JAG1-related disorder. Also called: JAG1-related condition; JAG1-related disorders.
Alagille syndrome due to a JAG1 point mutation. Also called: HEPATIC DUCTULAR HYPOPLASIA, SYNDROMATIC; JAG1-Related Alagille Syndrome; Alagille Syndrome 1. Identifiers: Orphanet 261619, Orphanet 52, MedGen C1956125, MONDO:0016862, OMIM 118450.

Allele frequency attached by ClinVar (database versions not stated): gnomAD exomes below 0.00001; ExAC 0.00001; TOPMed 0.00001.
gnomAD v4.1: 3 of 1,582,946 alleles (0.00019%); highest among the groups gnomAD compares: Non-Finnish European, 0.00017%; no homozygotes.

Submissions (2):

PreventionGenetics, part of Exact Sciences
Classification: Likely benign for JAG1-related condition. Last evaluated: 2025-11-18. Review status: criteria provided, single submitter. Criteria: ACMG Guidelines, 2015. Collection method: clinical testing. Allele origin: germline.
Comment: This variant is classified as likely benign based on ACMG/AMP sequence variant interpretation guidelines (Richards et al. 2015 PMID: 25741868, with internal and published modifications).

Labcorp Genetics (formerly Invitae), Labcorp
Classification: Uncertain significance for Alagille syndrome due to a JAG1 point mutation. Last evaluated: 2023-05-11. Review status: criteria provided, single submitter. Criteria: Invitae Variant Classification Sherloc (09022015). Collection method: clinical testing. Allele origin: germline.
Comment: This sequence change falls in intron 21 of the JAG1 gene. It does not directly change the encoded amino acid sequence of the JAG1 protein. It affects a nucleotide within the consensus splice site. This variant is present in population databases (rs752615892, gnomAD 0.003%). This variant has not been reported in the literature in individuals affected with JAG1-related conditions. ClinVar contains an entry for this variant (Variation ID: 2086072). Variants that disrupt the consensus splice site are a relatively common cause of aberrant splicing (PMID: 17576681, 9536098). Algorithms developed to predict the effect of sequence changes on RNA splicing suggest that this variant is not likely to affect RNA splicing. In summary, the available evidence is currently insufficient to determine the role of this variant in disease. Therefore, it has been classified as a Variant of Uncertain Significance.

Literature cited by the submitters: PubMed 17576681 (cited by Labcorp Genetics (formerly Invitae), Labcorp); PubMed 9536098 (cited by Labcorp Genetics (formerly Invitae), Labcorp).

NM_000214.3(JAG1):c.2572+4T>C

Gene: JAG1 (jagged canonical Notch ligand 1; minus strand). Cytogenetic location: 20p12.2.
Variant type: single nucleotide variant.
Coding change: c.2572+4T>C on transcript NM_000214.3 (MANE Select); 4 bases into the intron after coding-DNA position 2572, T replaced by C.
Molecular consequence: intron variant.
Genome position (GRCh38, 1-based): chr20:10,642,484, A>G on the plus strand (T>C on the coding strand, the complement: JAG1 is on the minus strand). VCF-style: chr20-10642484-A-G. GRCh37 (hg19) VCF-style: chr20-10623132-A-G.
Other names: c.2572+4T>C (NM_000214.2).
Identifiers: ClinVar variation 2086072 (VCV002086072.5), dbSNP rs752615892, ClinGen allele CA9764473.